The following is an entry in ClinVar:

ClinVar aggregate classification (germline): Conflicting classifications of pathogenicity. Review status: criteria provided, conflicting classifications (1 of 4 stars). 3 submissions from 3 submitters: Uncertain significance (1); Benign (1); Likely benign (1). Last evaluated 2025-06-11.

Submissions (3):

GeneDx
Classification: Uncertain significance. Last evaluated: 2025-06-11. Review status: criteria provided, single submitter. Criteria: GeneDx Variant Classification Process June 2021. Collection method: clinical testing. Allele origin: germline. Affected: yes.
Comment: Has not been previously published as pathogenic or benign to our knowledge; Reported using an alternate transcript of the gene; Frameshift variant predicted to result in abnormal protein length as the last 20 amino acids are replaced with 65 different amino acids with an unclear effect on protein function

Blueprint Genetics
Classification: Likely benign. Last evaluated: 2022-09-02. Review status: criteria provided, single submitter. Criteria: ACMG Guidelines, 2015. Collection method: clinical testing. Allele origin: germline.

CeGaT Center for Human Genetics Tuebingen
Classification: Benign. Last evaluated: 2022-04-01. Review status: criteria provided, single submitter. Criteria: CeGaT Center For Human Genetics Tuebingen Variant Classification Criteria Version 2. Collection method: clinical testing. Allele origin: germline. Affected: yes. Observed: 1 variant allele.
Comment: RPL15: BS1, BS2

NM_001253384.2(RPL15):c.378_381del (p.His126fs)

Genes: NKIRAS1 (NFKB inhibitor interacting Ras like 1; minus strand), RPL15 (ribosomal protein L15; plus strand). Cytogenetic location: 3p24.2.
Variant type: Microsatellite.
Coding change: c.378_381del on transcript NM_001253384.2; coding-DNA positions 378 to 381, 4 bases deleted (CTCA; older notation c.378_381delCTCA).
Protein change: p.His126fs; shifts the reading frame from histidine 126.
Molecular consequence: frameshift variant. On other transcripts: intron variant (1).
Genome position (GRCh38, 1-based): chr3:23,921,615-23,921,618, CTCA deleted; deleting any 4 consecutive bases within chr3:23,921,611-23,921,618 gives the same sequence; the c. name uses the placement nearest the transcript's 3' end. VCF-style (leftmost placement, unchanged base first): chr3-23921610-TCTCA-T. GRCh37 (hg19) VCF-style: chr3-23963101-TCTCA-T.
Other names: c.-139-10164_-139-10161del (NM_001377380.1); short protein forms H126fs.
Identifiers: ClinVar variation 2653626 (VCV002653626.23), dbSNP rs113086273, ClinGen allele CA2286576.